The following is an entry in ClinVar:

NM_025099.6(CTC1):c.1284_1285delinsTT (p.Val429Phe)

Gene: CTC1 (CST telomere replication complex component 1; minus strand). Cytogenetic location: 17p13.1.
Variant type: Indel.
Coding change: c.1284_1285delinsTT on transcript NM_025099.6 (MANE Select); coding-DNA positions 1284 to 1285, CG replaced by TT.
Protein change: p.Val429Phe; replaces valine 429 with phenylalanine.
Molecular consequence: missense variant. On other transcripts: non-coding transcript variant (1).
Genome position (GRCh38, 1-based): chr17:8,235,207-8,235,208, CG replaced by AA on the plus strand (CG replaced by TT on the coding strand, the reverse complement: CTC1 is on the minus strand). VCF-style: chr17-8235207-CG-AA. GRCh37 (hg19) VCF-style: chr17-8138525-CG-AA.
Other names: short protein forms V429F.
Identifiers: ClinVar variation 1437076 (VCV001437076.8), dbSNP rs2151520002, ClinGen allele CA2573154561.

ClinVar aggregate classification (germline): Uncertain significance (1 of 4 stars; one submission).

Conditions:
Dyskeratosis congenita. Identifiers: Orphanet 1775, MedGen C0265965, MONDO:0015780.

Submission:

Labcorp Genetics (formerly Invitae), Labcorp
Classification: Uncertain significance for Dyskeratosis congenita. Last evaluated: 2024-08-12. Review status: criteria provided, single submitter. Criteria: Invitae Variant Classification Sherloc (09022015). Collection method: clinical testing. Allele origin: germline.
Comment: This sequence change replaces valine, which is neutral and non-polar, with phenylalanine, which is neutral and non-polar, at codon 429 of the CTC1 protein (p.Val429Phe). Information on the frequency of this variant in the gnomAD database is not available, as this variant may be reported differently in the database. This variant has not been reported in the literature in individuals affected with CTC1-related conditions. ClinVar contains an entry for this variant (Variation ID: 1437076). Experimental studies and prediction algorithms are not available or were not evaluated, and the functional significance of this variant is currently unknown. In summary, the available evidence is currently insufficient to determine the role of this variant in disease. Therefore, it has been classified as a Variant of Uncertain Significance.